The following is an entry in ClinVar:

ClinVar aggregate classification (germline): Uncertain significance. Review status: criteria provided, multiple submitters, no conflicts (2 of 4 stars). 3 submissions from 3 submitters: Uncertain significance (3). Last evaluated 2025-09-04.

Conditions:
Inborn genetic diseases. Identifiers: MedGen C0950123, MeSH D030342.

Allele frequency attached by ClinVar (database versions not stated): gnomAD 0.00005; TOPMed 0.00005; ESP Exome Variant Server 0.00016.
gnomAD v4.1: 70 of 1,613,392 alleles (0.0043%); highest among the groups gnomAD compares: Middle Eastern, 0.12%; no homozygotes.

Submissions (3):

Ambry Genetics
Classification: Uncertain significance for Inborn genetic diseases. Last evaluated: 2025-09-04. Review status: criteria provided, single submitter. Criteria: Ambry Variant Classification Scheme 2023. Collection method: clinical testing. Allele origin: germline.

Labcorp Genetics (formerly Invitae), Labcorp
Classification: Uncertain significance. Last evaluated: 2025-07-02. Review status: criteria provided, single submitter. Criteria: Invitae Variant Classification Sherloc (09022015). Collection method: clinical testing. Allele origin: germline.
Comment: This sequence change replaces alanine, which is neutral and non-polar, with glycine, which is neutral and non-polar, at codon 414 of the MYH14 protein (p.Ala414Gly). This variant is present in population databases (rs372324948, gnomAD 0.04%), and has an allele count higher than expected for a pathogenic variant. This variant has not been reported in the literature in individuals affected with MYH14-related conditions. ClinVar contains an entry for this variant (Variation ID: 164172). Invitae Evidence Modeling of protein sequence and biophysical properties (such as structural, functional, and spatial information, amino acid conservation, physicochemical variation, residue mobility, and thermodynamic stability) indicates that this missense variant is not expected to disrupt MYH14 protein function with a negative predictive value of 80%. In summary, the available evidence is currently insufficient to determine the role of this variant in disease. Therefore, it has been classified as a Variant of Uncertain Significance.

Laboratory for Molecular Medicine, Mass General Brigham Personalized Medicine
Classification: Uncertain significance. Last evaluated: 2013-06-28. Review status: criteria provided, single submitter. Criteria: LMM Criteria. Collection method: clinical testing. Allele origin: germline. Observed: 1 variant allele.
Comment: The Ala422Gly variant in MYH14 has not been reported in individuals with hearing loss but has been identified in 0.02% (2/8498) of European American chromosomes by the NHLBI Exome Sequencing Project. Alth ough this variant was identified in the general population, its frequency is not high enough to rule out a pathogenic role. Computational analyses (biochemical amino acid properties, conservation, AlignGVGD, PolyPhen2, and SIFT) do not prov ide strong support for or against an impact to the protein. In summary, additio nal data is needed to determine the clinical significance of this variant.

NM_001145809.2(MYH14):c.1265C>G (p.Ala422Gly)

Gene: MYH14 (myosin heavy chain 14; plus strand). Cytogenetic location: 19q13.33.
Variant type: single nucleotide variant.
Coding change: c.1265C>G on transcript NM_001145809.2 (MANE Select); coding-DNA position 1265, C replaced by G.
Protein change: p.Ala422Gly; replaces alanine 422 with glycine.
Molecular consequence: missense variant.
Genome position (GRCh38, 1-based): chr19:50,247,058, C>G. VCF-style: chr19-50247058-C-G. GRCh37 (hg19) VCF-style: chr19-50750315-C-G.
Other names: c.1265C>G, p.Ala422Gly (NM_001077186.2); c.1241C>G, p.Ala414Gly (NM_024729.4); c.1241C>G (NM_024729.3); short protein forms A422G, A414G.
Identifiers: ClinVar variation 164172 (VCV000164172.9), dbSNP rs372324948, ClinGen allele CA176885.